The following is an entry in ClinVar:

NM_000238.4(KCNH2):c.2682C>T (p.Arg894=)

Gene: KCNH2 (potassium voltage-gated channel subfamily H member 2; minus strand). Cytogenetic location: 7q36.1.
Variant type: single nucleotide variant.
Coding change: c.2682C>T on transcript NM_000238.4 (MANE Select); coding-DNA position 2682, C replaced by T.
Protein change: p.Arg894=; no amino-acid change (arginine 894 retained).
Molecular consequence: synonymous variant.
Genome position (GRCh38, 1-based): chr7:150,948,454, G>A on the plus strand (C>T on the coding strand, the complement: KCNH2 is on the minus strand). VCF-style: chr7-150948454-G-A. GRCh37 (hg19) VCF-style: chr7-150645542-G-A.
Other names: c.1662C>T, p.Arg554= (NM_172057.3).
Identifiers: ClinVar variation 1419968 (VCV001419968.8), dbSNP rs1801004397, ClinGen allele CA458644972.

ClinVar aggregate classification (germline): Uncertain significance (1 of 4 stars; one submission).

Conditions:
Long QT syndrome (LQTS). Identifiers: MedGen C0023976, MeSH D008133, MONDO:0002442. Disease mechanism: loss of function. Inheritance: Various modes of inheritance.

Allele frequency attached by ClinVar (database versions not stated): TOPMed below 0.00001.

Submission:

Labcorp Genetics (formerly Invitae), Labcorp
Classification: Uncertain significance for Long QT syndrome. Last evaluated: 2022-02-10. Review status: criteria provided, single submitter. Criteria: Invitae Variant Classification Sherloc (09022015). Collection method: clinical testing. Allele origin: germline.
Comment: This sequence change affects codon 894 of the KCNH2 mRNA. It is a 'silent' change, meaning that it does not change the encoded amino acid sequence of the KCNH2 protein. In summary, the available evidence is currently insufficient to determine the role of this variant in disease. Therefore, it has been classified as a Variant of Uncertain Significance. Algorithms developed to predict the effect of sequence changes on RNA splicing suggest that this variant may create or strengthen a splice site. This variant has not been reported in the literature in individuals affected with KCNH2-related conditions. This variant is not present in population databases (gnomAD no frequency).